The following is an entry in ClinVar:

NM_002114.4(HIVEP1):c.76G>T (p.Ala26Ser)

Gene: HIVEP1 (HIVEP zinc finger 1; plus strand). Cytogenetic location: 6p24.1.
Variant type: single nucleotide variant.
Coding change: c.76G>T on transcript NM_002114.4 (MANE Select); coding-DNA position 76, G replaced by T.
Protein change: p.Ala26Ser; replaces alanine 26 with serine.
Molecular consequence: missense variant.
Genome position (GRCh38, 1-based): chr6:12,089,219, G>T. VCF-style: chr6-12089219-G-T. GRCh37 (hg19) VCF-style: chr6-12089452-G-T.
Other names: short protein forms A26S.
Identifiers: ClinVar variation 4992247 (VCV004992247.1).

ClinVar aggregate classification (germline): Uncertain significance (1 of 4 stars; one submission).

Conditions:
HIVEP1-related disorder. Also called: HIVEP1-related condition.

Submission:

PreventionGenetics, part of Exact Sciences
Classification: Uncertain significance for HIVEP1-related condition. Last evaluated: 2025-11-11. Review status: criteria provided, single submitter. Criteria: ACMG Guidelines, 2015. Collection method: clinical testing. Allele origin: germline.
Comment: The HIVEP1 c.76G>T variant is predicted to result in the amino acid substitution p.Ala26Ser. To our knowledge, this variant has not been reported in the literature or in a large population database (gnomAD), indicating this variant is rare. At this time, the clinical significance of this variant is uncertain due to the absence of conclusive functional and genetic evidence.